The following is an entry in ClinVar:

NM_006383.4(CIB2):c.347-12C>T

Gene: CIB2 (calcium and integrin binding family member 2; minus strand). Cytogenetic location: 15q25.1.
Variant type: single nucleotide variant.
Coding change: c.347-12C>T on transcript NM_006383.4 (MANE Select); 12 bases into the intron before coding-DNA position 347, C replaced by T.
Molecular consequence: intron variant.
Genome position (GRCh38, 1-based): chr15:78,105,946, G>A on the plus strand (C>T on the coding strand, the complement: CIB2 is on the minus strand). VCF-style: chr15-78105946-G-A. GRCh37 (hg19) VCF-style: chr15-78398288-G-A.
Other names: c.200-12C>T (NM_001271889.2); c.218-12C>T (NM_001271888.2); c.362-12C>T (NM_001301224.2).
Identifiers: ClinVar variation 2574809 (VCV002574809.1), dbSNP rs1229514235, ClinGen allele CA715895583.

ClinVar aggregate classification (germline): Uncertain significance (1 of 4 stars; one submission).

Allele frequency attached by ClinVar (database versions not stated): gnomAD 0.00001; TOPMed 0.00001.
gnomAD v4.1: 38 of 1,612,312 alleles (0.0024%); highest among the groups gnomAD compares: Non-Finnish European, 0.0031%; no homozygotes.

Submission:

GeneDx
Classification: Uncertain significance. Last evaluated: 2023-02-01. Review status: criteria provided, single submitter. Criteria: GeneDx Variant Classification Process June 2021. Collection method: clinical testing. Allele origin: germline. Affected: yes.
Comment: Not observed at significant frequency in large population cohorts (gnomAD); In silico analysis supports that this variant does not alter splicing; Has not been previously published as pathogenic or benign to our knowledge